The following is an entry in ClinVar:

NM_000702.4(ATP1A2):c.475T>A (p.Phe159Ile)

Gene: ATP1A2 (ATPase Na+/K+ transporting subunit alpha 2; plus strand). Cytogenetic location: 1q23.2.
Variant type: single nucleotide variant.
Coding change: c.475T>A on transcript NM_000702.4 (MANE Select); coding-DNA position 475, T replaced by A.
Protein change: p.Phe159Ile; replaces phenylalanine 159 with isoleucine.
Molecular consequence: missense variant.
Genome position (GRCh38, 1-based): chr1:160,124,036, T>A. VCF-style: chr1-160124036-T-A. GRCh37 (hg19) VCF-style: chr1-160093826-T-A.
Other names: short protein forms F159I.
Identifiers: ClinVar variation 1742897 (VCV001742897.2), dbSNP rs2524856436, ClinGen allele CA343232869.

ClinVar aggregate classification (germline): Uncertain significance (1 of 4 stars; one submission).

Conditions:
Inborn genetic diseases. Identifiers: MedGen C0950123, MeSH D030342.

Submission:

Ambry Genetics
Classification: Uncertain significance for Inborn genetic diseases. Last evaluated: 2017-10-12. Review status: criteria provided, single submitter. Criteria: Ambry Variant Classification Scheme 2023. Collection method: clinical testing. Allele origin: germline.
Comment: The p.F159I variant (also known as c.475T>A), located in coding exon 5 of the ATP1A2 gene, results from a T to A substitution at nucleotide position 475. The phenylalanine at codon 159 is replaced by isoleucine, an amino acid with highly similar properties. This amino acid position is highly conserved in available vertebrate species. In addition, this alteration is predicted to be deleterious by in silico analysis. Since supporting evidence is limited at this time, the clinical significance of this alteration remains unclear.